The following is an entry in ClinVar:

ClinVar aggregate classification (germline): Uncertain significance. Review status: criteria provided, multiple submitters, no conflicts (2 of 4 stars). 3 submissions from 3 submitters: Uncertain significance (3). Last evaluated 2025-01-14.

Conditions:
Inborn genetic diseases. Identifiers: MedGen C0950123, MeSH D030342.

Allele frequency attached by ClinVar (database versions not stated): gnomAD exomes below 0.00001; TOPMed below 0.00001; gnomAD 0.00001.
gnomAD v4.1: 3 of 1,614,026 alleles (0.00019%); highest among the groups gnomAD compares: East Asian, 0.0067%; no homozygotes.

Submissions (3):

Labcorp Genetics (formerly Invitae), Labcorp
Classification: Uncertain significance. Last evaluated: 2025-01-14. Review status: criteria provided, single submitter. Criteria: Invitae Variant Classification Sherloc (09022015). Collection method: clinical testing. Allele origin: germline.
Comment: This sequence change replaces glutamine, which is neutral and polar, with proline, which is neutral and non-polar, at codon 20 of the RP1 protein (p.Gln20Pro). This variant is present in population databases (no rsID available, gnomAD 0.02%). This variant has not been reported in the literature in individuals affected with RP1-related conditions. ClinVar contains an entry for this variant (Variation ID: 3155793). An algorithm developed to predict the effect of missense changes on protein structure and function (PolyPhen-2) suggests that this variant is likely to be tolerated. In summary, the available evidence is currently insufficient to determine the role of this variant in disease. Therefore, it has been classified as a Variant of Uncertain Significance.

Ambry Genetics
Classification: Uncertain significance for Inborn genetic diseases. Last evaluated: 2024-01-29. Review status: criteria provided, single submitter. Criteria: Ambry Variant Classification Scheme 2023. Collection method: clinical testing. Allele origin: germline.

Blueprint Genetics
Classification: Uncertain significance. Last evaluated: 2019-12-26. Review status: criteria provided, single submitter. Criteria: ACMG Guidelines, 2015. Collection method: clinical testing. Allele origin: germline.

NM_006269.2(RP1):c.59A>C (p.Gln20Pro)

Gene: RP1 (RP1 axonemal microtubule associated; plus strand). Cytogenetic location: 8q12.1.
Variant type: single nucleotide variant.
Coding change: c.59A>C on transcript NM_006269.2 (MANE Select); coding-DNA position 59, A replaced by C.
Protein change: p.Gln20Pro; replaces glutamine 20 with proline.
Molecular consequence: missense variant.
Genome position (GRCh38, 1-based): chr8:54,621,025, A>C. VCF-style: chr8-54621025-A-C. GRCh37 (hg19) VCF-style: chr8-55533585-A-C.
Other names: c.59A>C, p.Gln20Pro (NM_001375654.1); short protein forms Q20P.
Identifiers: ClinVar variation 3155793 (VCV003155793.4), dbSNP rs1299320041, ClinGen allele CA370985337.
Genomic context (GRCh38, chr8:54,621,025, plus strand): 5'-AAATGAGTGATACCCCTTCTACTGGTTTTTCCATCATTCATCCTACGTCTTCTGAAGGTC[A>C]AGTTCCACCCCCTCGCCATTTGAGCCTCACTCATCCTGTTGTGGCCAAGCGAATCAGTTT-3'
Protein context (NP_006260.1, residues 10-30): SIIHPTSSEG[Gln20Pro]VPPPRHLSLT